The following is an entry in ClinVar:

ClinVar aggregate classification (germline): Likely pathogenic (1 of 4 stars; one submission).

Conditions:
Glycogen storage disease, type II (IOPD). Also called: CARDIOMEGALIA GLYCOGENICA DIFFUSA; GLYCOGENOSIS, GENERALIZED, CARDIAC FORM; GSD II; Pompe Disease; Glycogen storage disease type 2; Acid maltase deficiency disease. Identifiers: Orphanet 365, MedGen C0017921, MONDO:0009290, OMIM 232300.

Submission:

Neuberg Centre For Genomic Medicine, NCGM
Classification: Likely pathogenic for Glycogen storage disease, type II. Last evaluated: 2023-05-20. Review status: criteria provided, single submitter. Criteria: ACMG Guidelines, 2015. Collection method: clinical testing. Allele origin: germline. Inheritance: Autosomal recessive inheritance. Affected: yes.
Comment: The observed start lost c.3G>T(p.Met1?) variant in the GAA gene has not been reported previously as a pathogenic variant nor as a benign variant, to our knowledge. This variant is absent in gnomAD Exomes. The same amino acid change has been previously reported as a known pathogenic/likely pathogenic variant (Fukuhara Y, et al., 2017; Kroos M, et al., 2008). The p.Met1? variant is predicted to disrupt the initiation codon, and thus potentially may interfere with protein expression. However, no details are available for independent assessment. Multiple lines of computational evidence (SIFT - Damaging and MutationTaster - Disease causing) predicts damaging effect on protein structure and function for this variant. For these reasons, this variant has been classified as Likely Pathogenic.

NM_000152.5(GAA):c.3G>T (p.Met1Ile)

Gene: GAA (alpha glucosidase; plus strand). Cytogenetic location: 17q25.3.
Variant type: single nucleotide variant.
Coding change: c.3G>T on transcript NM_000152.5 (MANE Select); coding-DNA position 3, G replaced by T.
Protein change: p.Met1Ile; changes the start codon (methionine 1).
Molecular consequence: missense variant, initiator codon variant.
Genome position (GRCh38, 1-based): chr17:80,104,589, G>T. VCF-style: chr17-80104589-G-T. GRCh37 (hg19) VCF-style: chr17-78078388-G-T.
Other names: c.3G>T, p.Met1Ile (NM_001079803.3, NM_001079804.3, NM_001406741.1 and 1 more transcripts); short protein forms M1I.
Identifiers: ClinVar variation 3367095 (VCV003367095.1).